The following is an entry in ClinVar:

NM_025137.4(SPG11):c.3374A>G (p.Lys1125Arg)

Gene: SPG11 (SPG11 vesicle trafficking associated, spatacsin; minus strand). Cytogenetic location: 15q21.1.
Variant type: single nucleotide variant.
Coding change: c.3374A>G on transcript NM_025137.4 (MANE Select); coding-DNA position 3374, A replaced by G.
Protein change: p.Lys1125Arg; replaces lysine 1125 with arginine.
Molecular consequence: missense variant.
Genome position (GRCh38, 1-based): chr15:44,608,523, T>C on the plus strand (A>G on the coding strand, the complement: SPG11 is on the minus strand). VCF-style: chr15-44608523-T-C. GRCh37 (hg19) VCF-style: chr15-44900721-T-C.
Other names: c.3374A>G, p.Lys1125Arg (NM_001160227.2); short protein forms K1125R.
Identifiers: ClinVar variation 1014071 (VCV001014071.8), dbSNP rs1421555064, ClinGen allele CA392224938.

ClinVar aggregate classification (germline): Uncertain significance (1 of 4 stars; one submission).

Conditions:
Hereditary spastic paraplegia 11. Also called: SPASTIC PARAPLEGIA, AUTOSOMAL RECESSIVE, COMPLICATED, WITH THIN CORPUS CALLOSUM; SPASTIC PARAPLEGIA, AUTOSOMAL RECESSIVE, WITH MENTAL IMPAIRMENT AND THIN CORPUS CALLOSUM; Spastic Paraplegia 11; Spastic paraplegia, mental retardation and thin corpus callosum; Nakamura Osame syndrome; Autosomal recessive hereditary spastic paraplegia, mental impairment, and thin corpus callosum. Identifiers: Orphanet 2822, MedGen C1858479, MONDO:0011445, OMIM 604360.

Allele frequency attached by ClinVar (database versions not stated): TOPMed below 0.00001.

Submission:

Labcorp Genetics (formerly Invitae), Labcorp
Classification: Uncertain significance for Hereditary spastic paraplegia 11. Last evaluated: 2023-08-17. Review status: criteria provided, single submitter. Criteria: Invitae Variant Classification Sherloc (09022015). Collection method: clinical testing. Allele origin: germline.
Comment: In summary, the available evidence is currently insufficient to determine the role of this variant in disease. Therefore, it has been classified as a Variant of Uncertain Significance. Advanced modeling of protein sequence and biophysical properties (such as structural, functional, and spatial information, amino acid conservation, physicochemical variation, residue mobility, and thermodynamic stability) has been performed at Invitae for this missense variant, however the output from this modeling did not meet the statistical confidence thresholds required to predict the impact of this variant on SPG11 protein function. ClinVar contains an entry for this variant (Variation ID: 1014071). This variant has not been reported in the literature in individuals affected with SPG11-related conditions. This variant is not present in population databases (gnomAD no frequency). This sequence change replaces lysine, which is basic and polar, with arginine, which is basic and polar, at codon 1125 of the SPG11 protein (p.Lys1125Arg).